The following is an entry in ClinVar:

ClinVar aggregate classification (germline): Uncertain significance (1 of 4 stars; one submission).

Conditions:
Hereditary cancer-predisposing syndrome. Also called: Hereditary neoplastic syndrome; Neoplastic Syndromes, Hereditary; Tumor predisposition; Hereditary Cancer Syndrome. Identifiers: Orphanet 140162, MedGen C0027672, MeSH D009386, MONDO:0015356.

Submission:

Ambry Genetics
Classification: Uncertain significance for Hereditary cancer-predisposing syndrome. Last evaluated: 2025-08-27. Review status: criteria provided, single submitter. Criteria: Ambry Variant Classification Scheme 2023. Collection method: clinical testing. Allele origin: germline.
Comment: The p.Q106H variant (also known as c.318A>T), located in coding exon 3 of the MUTYH gene, results from an A to T substitution at nucleotide position 318. The glutamine at codon 106 is replaced by histidine, an amino acid with highly similar properties. This amino acid position is conserved. In addition, this alteration is predicted to be tolerated by in silico analysis. Based on the available evidence, the clinical significance of this variant remains unclear.

NM_001048174.2(MUTYH):c.234A>T (p.Gln78His)

Gene: MUTYH (mutY DNA glycosylase; minus strand). Cytogenetic location: 1p34.1.
Variant type: single nucleotide variant.
Coding change: c.234A>T on transcript NM_001048174.2 (MANE Select); coding-DNA position 234, A replaced by T.
Protein change: p.Gln78His; replaces glutamine 78 with histidine.
Molecular consequence: missense variant. On other transcripts: 5 prime UTR variant (6), non-coding transcript variant (7).
Genome position (GRCh38, 1-based): chr1:45,333,443, T>A on the plus strand (A>T on the coding strand, the complement: MUTYH is on the minus strand). VCF-style: chr1-45333443-T-A. GRCh37 (hg19) VCF-style: chr1-45799115-T-A.
Other names: c.276A>T, p.Gln92His (NM_001407083.1, NM_001407085.1, NM_001407073.1); c.237A>T, p.Gln79His (NM_001407086.1, NM_001048172.2, NM_001407071.1 and 2 more transcripts); c.255A>T, p.Gln85His (NM_001407087.1); c.234A>T, p.Gln78His (NM_001407088.1, NM_001407089.1, NM_001048171.2 and 6 more transcripts); c.-43A>T (NM_001407091.1, NM_001293192.2, NM_001293196.2); c.309A>T, p.Gln103His (NM_012222.3, NM_001407069.1); c.318A>T, p.Gln106His (NM_001128425.2); c.279A>T, p.Gln93His (NM_001293190.2); and 3 more; short protein forms Q79H, Q89H, Q92H, Q106H, Q85H, Q93H, Q103H, Q50H.
Identifiers: ClinVar variation 4113597 (VCV004113597.1).